The following is an entry in ClinVar:

NM_006766.5(KAT6A):c.1762A>G (p.Ile588Val)

Gene: KAT6A (lysine acetyltransferase 6A; minus strand). Cytogenetic location: 8p11.21.
Variant type: single nucleotide variant.
Coding change: c.1762A>G on transcript NM_006766.5 (MANE Select); coding-DNA position 1762, A replaced by G.
Protein change: p.Ile588Val; replaces isoleucine 588 with valine.
Molecular consequence: missense variant.
Genome position (GRCh38, 1-based): chr8:41,947,891, T>C on the plus strand (A>G on the coding strand, the complement: KAT6A is on the minus strand). VCF-style: chr8-41947891-T-C. GRCh37 (hg19) VCF-style: chr8-41805409-T-C.
Other names: c.1762A>G, p.Ile588Val (NM_001305878.2); short protein forms I588V.
Identifiers: ClinVar variation 2632788 (VCV002632788.1), dbSNP rs2486786684, ClinGen allele CA371074065.

ClinVar aggregate classification (germline): Uncertain significance (1 of 4 stars; one submission).

Conditions:
KAT6A-related disorder. Also called: KAT6A-related condition.

Submission:

PreventionGenetics, part of Exact Sciences
Classification: Uncertain significance for KAT6A-related condition. Last evaluated: 2023-04-21. Review status: criteria provided, single submitter. Criteria: ACMG Guidelines, 2015. Collection method: clinical testing. Allele origin: germline.
Comment: The KAT6A c.1762A>G variant is predicted to result in the amino acid substitution p.Ile588Val. To our knowledge, this variant has not been reported in the literature or in a large population database, indicating this variant is rare. At this time, the clinical significance of this variant is uncertain due to the absence of conclusive functional and genetic evidence.